The following is an entry in ClinVar:

NM_213622.4(STAMBP):c.640T>C (p.Ser214Pro)

Gene: STAMBP (STAM binding protein; plus strand). Cytogenetic location: 2p13.1.
Variant type: single nucleotide variant.
Coding change: c.640T>C on transcript NM_213622.4 (MANE Select); coding-DNA position 640, T replaced by C.
Protein change: p.Ser214Pro; replaces serine 214 with proline.
Molecular consequence: missense variant. On other transcripts: non-coding transcript variant (4).
Genome position (GRCh38, 1-based): chr2:73,847,651, T>C. VCF-style: chr2-73847651-T-C. GRCh37 (hg19) VCF-style: chr2-74074778-T-C.
Other names: c.235T>C, p.Ser79Pro (NM_001353975.2, NM_001353976.2, NM_001353971.2 and 3 more transcripts); c.640T>C, p.Ser214Pro (NM_006463.6, NM_201647.4, NM_001353967.2 and 3 more transcripts); short protein forms S214P, S79P.
Identifiers: ClinVar variation 3600472 (VCV003600472.1).

ClinVar aggregate classification (germline): Uncertain significance (1 of 4 stars; one submission).

Conditions:
Microcephaly-capillary malformation syndrome (MICCAP). Identifiers: Orphanet 294016, MedGen C3280296, MONDO:0013659, OMIM 614261.

gnomAD v4.1: 1 of 1,614,206 alleles (0.000062%); highest among the groups gnomAD compares: South Asian, 0.0011%; no homozygotes.

Submission:

Clinical Genomics Laboratory, Washington University in St. Louis
Classification: Uncertain significance for Microcephaly-capillary malformation syndrome. Last evaluated: 2024-11-01. Review status: criteria provided, single submitter. Criteria: ACMG Guidelines, 2015. Collection method: clinical testing. Allele origin: germline.
Comment: A STAMBP c.640T>C (p.Ser214Pro) variant was identified at a near heterozygous allelic fraction of 48.60%, a frequency which may be consistent with it being of germline origin. This variant, to our knowledge, has not been reported in the medical literature. The STAMBP c.640T>C (p.Ser214Pro) variant is only observed on 1/1,614,206 alleles in the general population (gnomAD v.4.1.0), indicating it is not a common variant. Computational predictors suggest that the variant does not impact STAMBP function. Due to limited information, and based on ACMG/AMP guidelines for variant interpretation (Richard S et al., PMID: 25741868), the clinical significance of this variant is uncertain at this time.